The following is an entry in ClinVar:

ClinVar aggregate classification (germline): Uncertain significance (1 of 4 stars; one submission).

Conditions:
SEMA3D-related disorder. Also called: SEMA3D-related condition.

Submission:

PreventionGenetics, part of Exact Sciences
Classification: Uncertain significance for SEMA3D-related condition. Last evaluated: 2025-04-30. Review status: criteria provided, single submitter. Criteria: ACMG Guidelines, 2015. Collection method: clinical testing. Allele origin: germline.
Comment: The SEMA3D c.1256G>A variant is predicted to result in the amino acid substitution p.Ser419Asn. To our knowledge, this variant has not been reported in the literature or in a large population database (gnomAD), indicating this variant is rare. At this time, the clinical significance of this variant is uncertain due to the absence of conclusive functional and genetic evidence.

NM_001384900.1(SEMA3D):c.1256G>A (p.Ser419Asn)

Gene: SEMA3D (semaphorin 3D; minus strand). Cytogenetic location: 7q21.11.
Variant type: single nucleotide variant.
Coding change: c.1256G>A on transcript NM_001384900.1 (MANE Select); coding-DNA position 1256, G replaced by A.
Protein change: p.Ser419Asn; replaces serine 419 with asparagine.
Molecular consequence: missense variant.
Genome position (GRCh38, 1-based): chr7:85,022,549, C>T on the plus strand (G>A on the coding strand, the complement: SEMA3D is on the minus strand). VCF-style: chr7-85022549-C-T. GRCh37 (hg19) VCF-style: chr7-84651865-C-T.
Other names: c.1256G>A, p.Ser419Asn (NM_001384901.1, NM_001384902.1, NM_001384903.1 and 1 more transcripts); short protein forms S419N.
Identifiers: ClinVar variation 4998502 (VCV004998502.1).
Genomic context (GRCh38, chr7:85,022,549, plus strand): 5'-GTTGGTCCTCCTGCAACTGGGTATACGGACTTATACATCACAGAGTGCCGCTTTATGAAA[C>T]TGATGACATCATCTGGAAAATCTCGGGTGGACTTAATCAGTGGGTCATAGGTTTTGCTTG-3'
Protein context (NP_001371829.1, residues 409-429): STRDFPDDVI[Ser419Asn]FIKRHSVMYK